The following is an entry in ClinVar:

ClinVar aggregate classification (germline): Benign. Review status: criteria provided, multiple submitters, no conflicts (2 of 4 stars). 2 submissions from 2 submitters: Benign (2). Last evaluated 2018-01-13.

Conditions:
Essential fructosuria. Also called: KETOHEXOKINASE DEFICIENCY; HEPATIC FRUCTOKINASE DEFICIENCY. Identifiers: Orphanet 2056, MedGen C0268160, MONDO:0009252, OMIM 229800.

Allele frequency attached by ClinVar (database versions not stated): gnomAD 0.00934; TOPMed 0.01071; 1000 Genomes Project 30x 0.01249; gnomAD exomes 0.00119; 1000 Genomes Project 0.01238.
gnomAD v4.1: 1,888 of 483,626 alleles (0.39%); highest among the groups gnomAD compares: African/African-American, 3.4%; 25 homozygotes.

Submissions (2):

Illumina Laboratory Services, Illumina
Classification: Benign for Essential fructosuria. Last evaluated: 2018-01-13. Review status: criteria provided, single submitter. Criteria: ICSL Variant Classification Criteria 13 December 2019. Collection method: clinical testing. Allele origin: germline.
Comment: This variant was observed in the ICSL laboratory as part of a predisposition screen in an ostensibly healthy population. It had not been previously curated by ICSL or reported in the Human Gene Mutation Database (HGMD: prior to June 1st, 2018), and was therefore a candidate for classification through an automated scoring system. Utilizing variant allele frequency, disease prevalence and penetrance estimates, and inheritance mode, an automated score was calculated to assess if this variant is too frequent to cause the disease. Based on the score and internal cut-off values, a variant classified as benign is not then subjected to further curation. The score for this variant resulted in a classification of benign for this disease.

Breakthrough Genomics
Classification: Benign. Review status: criteria provided, single submitter. Criteria: ACMG Guidelines, 2015. Collection method: not provided. Allele origin: germline. Inheritance: Autosomal recessive inheritance. Affected: yes.

NM_006488.3(KHK):c.*540G>C

Genes: CGREF1 (cell growth regulator with EF-hand domain 1; minus strand), KHK (ketohexokinase; plus strand). Cytogenetic location: 2p23.3.
Variant type: single nucleotide variant.
Coding change: c.*540G>C on transcript NM_006488.3 (MANE Select); 540 bases downstream of the stop codon, G replaced by C.
Molecular consequence: 3 prime UTR variant. On other transcripts: intron variant (2).
Genome position (GRCh38, 1-based): chr2:27,100,290, G>C. VCF-style: chr2-27100290-G-C. GRCh37 (hg19) VCF-style: chr2-27323158-G-C.
Other names: c.*540G>C (NM_000221.3); c.*20+126C>G (NM_001301324.2); c.343-450C>G (NM_001166240.2).
Identifiers: ClinVar variation 335512 (VCV000335512.8), dbSNP rs60769101, ClinGen allele CA10613484.
Genomic context (GRCh38, chr2:27,100,290, plus strand): 5'-TCTATTCCCACAGCTCAGAAGCTGGGAGTCCACACCGCTGAGCTGAACTGACAGGCCAGT[G>C]GGGGGCAGGGGTGCGCCTCCTCTGCCCTGCCCACCAGCCTGTGATTTGATGGGGTCTTCA-3'